The following is an entry in ClinVar:

NM_016333.4(SRRM2):c.1585C>T (p.Gln529Ter)

Gene: SRRM2 (serine/arginine repetitive matrix 2; plus strand). Cytogenetic location: 16p13.3.
Variant type: single nucleotide variant.
Coding change: c.1585C>T on transcript NM_016333.4 (MANE Select); coding-DNA position 1585, C replaced by T.
Protein change: p.Gln529Ter; replaces glutamine 529 with a stop codon.
Molecular consequence: nonsense.
Genome position (GRCh38, 1-based): chr16:2,762,113, C>T. VCF-style: chr16-2762113-C-T. GRCh37 (hg19) VCF-style: chr16-2812114-C-T.
Other names: short protein forms Q529*.
Identifiers: ClinVar variation 3359049 (VCV003359049.2).

ClinVar aggregate classification (germline): Likely pathogenic (1 of 4 stars; one submission).

Conditions:
Intellectual developmental disorder, autosomal dominant 72 (MRD72). Identifiers: Orphanet 652487, MedGen C5830612, MONDO:0957397, OMIM 620439.

Submission:

Institute of Human Genetics, University of Leipzig Medical Center
Classification: Likely pathogenic for Intellectual developmental disorder, autosomal dominant 72. Last evaluated: 2022-07-13. Review status: criteria provided, single submitter. Criteria: ACMG Guidelines, 2015. Collection method: clinical testing. Allele origin: unknown. Inheritance: Autosomal dominant inheritance. Affected: yes.
Comment: Criteria applied: PVS1_STR,PM2_SUP,PP3